The following is an entry in ClinVar:

NM_017613.4(DONSON):c.7C>T (p.Leu3Phe)

Gene: DONSON (DNA replication fork stabilization factor DONSON; minus strand). Cytogenetic location: 21q22.11.
Variant type: single nucleotide variant.
Coding change: c.7C>T on transcript NM_017613.4 (MANE Select); coding-DNA position 7, C replaced by T.
Protein change: p.Leu3Phe; replaces leucine 3 with phenylalanine.
Molecular consequence: missense variant.
Genome position (GRCh38, 1-based): chr21:33,588,635, G>A on the plus strand (C>T on the coding strand, the complement: DONSON is on the minus strand). VCF-style: chr21-33588635-G-A. GRCh37 (hg19) VCF-style: chr21-34960941-G-A.
Other names: short protein forms L3F.
Identifiers: ClinVar variation 1937267 (VCV001937267.5), dbSNP rs968089348, ClinGen allele CA320125095.
Genomic context (GRCh38, chr21:33,588,635, plus strand): 5'-GTCGGAGCCGCACTACCTCGGGCGGCTTTCGGAAGCCCGGTGAGTAGCCGGGCACCGAAA[G>A]GGCCATGACGCGCGGCGGCTGAGGGTAGCCGGCCGCCCTACAGAGACTTCCCGCGCGCGC-3'
Protein context (NP_060083.1, residues 1-13): MA[Leu3Phe]SVPGYSPGFR

ClinVar aggregate classification (germline): Uncertain significance. Review status: criteria provided, multiple submitters, no conflicts (2 of 4 stars). 2 submissions from 2 submitters: Uncertain significance (2). Last evaluated 2025-11-12.

Conditions:
Inborn genetic diseases. Identifiers: MedGen C0950123, MeSH D030342.

Allele frequency attached by ClinVar (database versions not stated): TOPMed 0.00006; gnomAD exomes 0.00001; gnomAD 0.00003.
gnomAD v4.1: 11 of 1,234,418 alleles (0.00089%); highest among the groups gnomAD compares: African/African-American, 0.0047%; no homozygotes.

Submissions (2):

Ambry Genetics
Classification: Uncertain significance for Inborn genetic diseases. Last evaluated: 2025-11-12. Review status: criteria provided, single submitter. Criteria: Ambry Variant Classification Scheme 2023. Collection method: clinical testing. Allele origin: germline.

Labcorp Genetics (formerly Invitae), Labcorp
Classification: Uncertain significance. Last evaluated: 2022-08-09. Review status: criteria provided, single submitter. Criteria: Invitae Variant Classification Sherloc (09022015). Collection method: clinical testing. Allele origin: germline.
Comment: In summary, the available evidence is currently insufficient to determine the role of this variant in disease. Therefore, it has been classified as a Variant of Uncertain Significance. Algorithms developed to predict the effect of missense changes on protein structure and function output the following: SIFT: "Tolerated"; PolyPhen-2: "Benign"; Align-GVGD: "Class C0". The phenylalanine amino acid residue is found in multiple mammalian species, which suggests that this missense change does not adversely affect protein function. This variant has not been reported in the literature in individuals affected with DONSON-related conditions. This variant is present in population databases (no rsID available, gnomAD 0.01%). This sequence change replaces leucine, which is neutral and non-polar, with phenylalanine, which is neutral and non-polar, at codon 3 of the DONSON protein (p.Leu3Phe).